The following is an entry in ClinVar:

NM_005618.4(DLL1):c.303C>A (p.Asp101Glu)

Gene: DLL1 (delta like canonical Notch ligand 1; minus strand). Cytogenetic location: 6q27.
Variant type: single nucleotide variant.
Coding change: c.303C>A on transcript NM_005618.4 (MANE Select); coding-DNA position 303, C replaced by A.
Protein change: p.Asp101Glu; replaces aspartic acid 101 with glutamic acid.
Molecular consequence: missense variant.
Genome position (GRCh38, 1-based): chr6:170,289,560, G>T on the plus strand (C>A on the coding strand, the complement: DLL1 is on the minus strand). VCF-style: chr6-170289560-G-T. GRCh37 (hg19) VCF-style: chr6-170598648-G-T.
Other names: short protein forms D101E.
Identifiers: ClinVar variation 1208106 (VCV001208106.13), dbSNP rs201394102, ClinGen allele CA4107195.
Genomic context (GRCh38, chr6:170,289,560, plus strand): 5'-TGCGGCACTCACCGGCCAGGTGAAGCCGAAGGGGAAGCGGATGGGGTTGCTGAACGCGGA[G>T]TCGGCGCCCCCGCCGTCGGGCAGACTGAAGGAGTCGACGCCCAGCACGGGGGTGACGGCG-3'
Protein context (NP_005609.3, residues 91-111): SFSLPDGGGA[Asp101Glu]SAFSNPIRFP

ClinVar aggregate classification (germline): Conflicting classifications of pathogenicity. Review status: criteria provided, conflicting classifications (1 of 4 stars). 3 submissions from 3 submitters: Uncertain significance (1); Benign (1). 1 of the submissions does not count toward it. Last evaluated 2025-10-06.

Conditions:
DLL1-related disorder. Also called: DLL1-related condition.

Allele frequency attached by ClinVar (database versions not stated): ExAC 0.00017; gnomAD exomes 0.00025; 1000 Genomes Project 30x 0.00094; 1000 Genomes Project 0.00100; TOPMed 0.00124.
gnomAD v4.1: 320 of 1,535,220 alleles (0.021%); highest among the groups gnomAD compares: African/African-American, 0.39%; no homozygotes.

Submissions (3):

Labcorp Genetics (formerly Invitae), Labcorp
Classification: Benign. Last evaluated: 2025-10-06. Review status: criteria provided, single submitter. Criteria: Invitae Variant Classification Sherloc (09022015). Collection method: clinical testing. Allele origin: germline.

GeneDx
Classification: Uncertain significance. Last evaluated: 2020-04-22. Review status: criteria provided, single submitter. Criteria: GeneDx Variant Classification Process June 2021. Collection method: clinical testing. Allele origin: germline. Affected: yes.
Comment: In silico analysis, which includes protein predictors and evolutionary conservation, supports that this variant does not alter protein structure/function; Has not been previously published as pathogenic or benign to our knowledge; Variants in candidate genes are classified as variants of uncertain significance in accordance with ACMG guidelines (Richards et al., 2015)

PreventionGenetics, part of Exact Sciences
Classification: Likely benign for DLL1-related condition. Last evaluated: 2020-12-14. Review status: no assertion criteria provided. Collection method: clinical testing. Allele origin: germline. Not counted in ClinVar's aggregate classification.
Comment: This variant is classified as likely benign based on ACMG/AMP sequence variant interpretation guidelines (Richards et al. 2015 PMID: 25741868, with internal and published modifications).